The following is an entry in ClinVar:

ClinVar aggregate classification (germline): Uncertain significance. Review status: criteria provided, multiple submitters, no conflicts (2 of 4 stars). 2 submissions from 2 submitters: Uncertain significance (2). Last evaluated 2025-08-18.

Conditions:
Hereditary nonpolyposis colorectal neoplasms. Identifiers: MedGen C0009405, MeSH D003123.
Hereditary cancer-predisposing syndrome. Also called: Hereditary Cancer Syndrome; Neoplastic Syndromes, Hereditary; Hereditary neoplastic syndrome; Tumor predisposition. Identifiers: Orphanet 140162, MedGen C0027672, MeSH D009386, MONDO:0015356.

Submissions (2):

Labcorp Genetics (formerly Invitae), Labcorp
Classification: Uncertain significance for Hereditary nonpolyposis colorectal neoplasms. Last evaluated: 2025-08-18. Review status: criteria provided, single submitter. Criteria: Invitae Variant Classification Sherloc (09022015). Collection method: clinical testing. Allele origin: germline.
Comment: This sequence change replaces glutamine, which is neutral and polar, with glutamic acid, which is acidic and polar, at codon 572 of the MSH6 protein (p.Gln572Glu). This variant is not present in population databases (gnomAD no frequency). This variant has not been reported in the literature in individuals affected with MSH6-related conditions. ClinVar contains an entry for this variant (Variation ID: 428315). Invitae Evidence Modeling of protein sequence and biophysical properties (such as structural, functional, and spatial information, amino acid conservation, physicochemical variation, residue mobility, and thermodynamic stability) indicates that this missense variant is not expected to disrupt MSH6 protein function with a negative predictive value of 95%. In summary, the available evidence is currently insufficient to determine the role of this variant in disease. Therefore, it has been classified as a Variant of Uncertain Significance.

Ambry Genetics
Classification: Uncertain significance for Hereditary cancer-predisposing syndrome. Last evaluated: 2016-04-02. Review status: criteria provided, single submitter. Criteria: Ambry Variant Classification Scheme 2023. Collection method: clinical testing. Allele origin: germline.
Comment: The p.Q572E variant (also known as c.1714C>G), located in coding exon 4 of the MSH6 gene, results from a C to G substitution at nucleotide position 1714. The glutamine at codon 572 is replaced by glutamic acid, an amino acid with highly similar properties. This variant was not reported in population based cohorts in the following databases: Database of Single Nucleotide Polymorphisms (dbSNP), NHLBI Exome Sequencing Project (ESP), and 1000 Genomes Project. In the ESP, this variant was not observed in 6497 samples (12994 alleles) with coverage at this position. To date, this alteration has been detected with an allele frequency of approximately 0.001% (greater than 115000 alleles tested) in our clinical cohort. This amino acid position is highly conserved in available vertebrate species. In addition, this alteration is predicted to be deleterious by in silico analysis. In addition, the CoDP in silico tool predicts this alteration to have minor impact on molecular function, with a score of 0.119 (Terui H et al. J. Biomed. Sci. 2013;20:25). Since supporting evidence is limited at this time, the clinical significance of p.Q572E remains unclear.

NM_000179.3(MSH6):c.1714C>G (p.Gln572Glu)

Gene: MSH6 (mutS homolog 6; plus strand). Cytogenetic location: 2p16.3.
Variant type: single nucleotide variant.
Coding change: c.1714C>G on transcript NM_000179.3 (MANE Select); coding-DNA position 1714, C replaced by G.
Protein change: p.Gln572Glu; replaces glutamine 572 with glutamic acid.
Molecular consequence: missense variant.
Genome position (GRCh38, 1-based): chr2:47,799,697, C>G. VCF-style: chr2-47799697-C-G. GRCh37 (hg19) VCF-style: chr2-48026836-C-G.
Other names: c.1324C>G, p.Gln442Glu (NM_001281492.2); c.808C>G, p.Gln270Glu (NM_001281493.2, NM_001281494.2); short protein forms Q572E, Q270E, Q442E.
Identifiers: ClinVar variation 428315 (VCV000428315.15), dbSNP rs1064795256, ClinGen allele CA346748599.